The following is an entry in ClinVar:

ClinVar aggregate classification (germline): Uncertain significance. Review status: criteria provided, multiple submitters, no conflicts (2 of 4 stars). 3 submissions from 3 submitters: Uncertain significance (3). Last evaluated 2025-11-20.

Conditions:
Hereditary cancer-predisposing syndrome. Also called: Hereditary neoplastic syndrome; Hereditary Cancer Syndrome; Neoplastic Syndromes, Hereditary; Tumor predisposition. Identifiers: Orphanet 140162, MedGen C0027672, MeSH D009386, MONDO:0015356.
Hereditary nonpolyposis colorectal neoplasms. Identifiers: MedGen C0009405, MeSH D003123.

Submissions (3):

Labcorp Genetics (formerly Invitae), Labcorp
Classification: Uncertain significance for Hereditary nonpolyposis colorectal neoplasms. Last evaluated: 2025-11-20. Review status: criteria provided, single submitter. Criteria: Invitae Variant Classification Sherloc (09022015). Collection method: clinical testing. Allele origin: germline.
Comment: This sequence change replaces isoleucine, which is neutral and non-polar, with valine, which is neutral and non-polar, at codon 831 of the PMS2 protein (p.Ile831Val). The frequency data for this variant in the population databases (gnomAD) is considered unreliable due to the presence of homologous sequence, such as pseudogenes or paralogs, in the genome. This variant has not been reported in the literature in individuals affected with PMS2-related conditions. ClinVar contains an entry for this variant (Variation ID: 234793). Invitae Evidence Modeling incorporating data from in vitro experimental studies (internal data) indicates that this missense variant is not expected to disrupt PMS2 function with a negative predictive value of 95%. In summary, the available evidence is currently insufficient to determine the role of this variant in disease. Therefore, it has been classified as a Variant of Uncertain Significance.

Ambry Genetics
Classification: Uncertain significance for Hereditary cancer-predisposing syndrome. Last evaluated: 2024-12-15. Review status: criteria provided, single submitter. Criteria: Ambry Variant Classification Scheme 2023. Collection method: clinical testing. Allele origin: germline.
Comment: The p.I831V variant (also known as c.2491A>G), located in coding exon 15 of the PMS2 gene, results from an A to G substitution at nucleotide position 2491. The isoleucine at codon 831 is replaced by valine, an amino acid with highly similar properties. This amino acid position is conserved. In addition, this alteration is predicted to be tolerated by in silico analysis. Since supporting evidence is limited at this time, the clinical significance of this alteration remains unclear.

GeneDx
Classification: Uncertain significance. Last evaluated: 2016-01-26. Review status: criteria provided, single submitter. Criteria: GeneDx Variant Classification (06012015). Collection method: clinical testing. Allele origin: germline. Affected: yes.
Comment: This variant is denoted PMS2 c.2491A>G at the cDNA level, p.Ile831Val (I831V) at the protein level, and results in the change of an Isoleucine to a Valine (ATC>GTC). This variant has not, to our knowledge, been published in the literature as pathogenic or benign. PMS2 Ile831Val was not observed in approximately 6,500 individuals of European and African American ancestry in the NHLBI Exome Sequencing Project, suggesting it is not a common benign variant in these populations. Since Isoleucine and Valine share similar properties, this is considered a conservative amino acid substitution. PMS2 Ile831Val occurs at a position where amino acids with properties similar to Isoleucine are tolerated across species with Valine being the naturally occurring amino acid in other species. PMS2 Ile831Val is located within the nuclease domain (Fukui 2011). In silico analyses predict that this variant is unlikely to alter protein structure or function. Based on currently available evidence, it is unclear whether PMS2 Ile831Val is a pathogenic or benign variant. We consider it to be a variant of uncertain significance.

NM_000535.7(PMS2):c.2491A>G (p.Ile831Val)

Gene: PMS2 (PMS1 homolog 2, mismatch repair system component; minus strand). Cytogenetic location: 7p22.1.
Variant type: single nucleotide variant.
Coding change: c.2491A>G on transcript NM_000535.7 (MANE Select); coding-DNA position 2491, A replaced by G.
Protein change: p.Ile831Val; replaces isoleucine 831 with valine.
Molecular consequence: missense variant. On other transcripts: non-coding transcript variant (1).
Genome position (GRCh38, 1-based): chr7:5,973,497, T>C on the plus strand (A>G on the coding strand, the complement: PMS2 is on the minus strand). VCF-style: chr7-5973497-T-C. GRCh37 (hg19) VCF-style: chr7-6013128-T-C.
Other names: c.2086A>G, p.Ile696Val (NM_001322003.2, NM_001322004.2, NM_001322005.2); c.2335A>G, p.Ile779Val (NM_001322006.2); c.2173A>G, p.Ile725Val (NM_001322007.2, NM_001322008.2); c.2119A>G, p.Ile707Val (NM_001322009.2); c.1930A>G, p.Ile644Val (NM_001322010.2); c.1558A>G, p.Ile520Val (NM_001322011.2, NM_001322012.2); c.1918A>G, p.Ile640Val (NM_001322013.2); c.2524A>G, p.Ile842Val (NM_001322014.2); and 1 more; short protein forms I831V, I644V, I707V, I728V, I640V, I779V, I842V, I520V.
Identifiers: ClinVar variation 234793 (VCV000234793.12), dbSNP rs876661221, ClinGen allele CA10577329.